The following is an entry in ClinVar:

ClinVar aggregate classification (germline): Uncertain significance (1 of 4 stars; one submission).

Submission:

Labcorp Genetics (formerly Invitae), Labcorp
Classification: Uncertain significance. Last evaluated: 2024-08-30. Review status: criteria provided, single submitter. Criteria: Invitae Variant Classification Sherloc (09022015). Collection method: clinical testing. Allele origin: germline.
Comment: This sequence change replaces asparagine, which is neutral and polar, with serine, which is neutral and polar, at codon 221 of the KLHL7 protein (p.Asn221Ser). This variant is not present in population databases (gnomAD no frequency). This variant has not been reported in the literature in individuals affected with KLHL7-related conditions. An algorithm developed to predict the effect of missense changes on protein structure and function (PolyPhen-2) suggests that this variant is likely to be tolerated. In summary, the available evidence is currently insufficient to determine the role of this variant in disease. Therefore, it has been classified as a Variant of Uncertain Significance.

NM_001031710.3(KLHL7):c.662A>G (p.Asn221Ser)

Gene: KLHL7 (kelch like family member 7; plus strand). Cytogenetic location: 7p15.3.
Variant type: single nucleotide variant.
Coding change: c.662A>G on transcript NM_001031710.3 (MANE Select); coding-DNA position 662, A replaced by G.
Protein change: p.Asn221Ser; replaces asparagine 221 with serine.
Molecular consequence: missense variant. On other transcripts: non-coding transcript variant (1).
Genome position (GRCh38, 1-based): chr7:23,143,894, A>G. VCF-style: chr7-23143894-A-G. GRCh37 (hg19) VCF-style: chr7-23183513-A-G.
Other names: c.518A>G, p.Asn173Ser (NM_018846.5); short protein forms N173S, N221S.
Identifiers: ClinVar variation 2863526 (VCV002863526.3), dbSNP rs2534869818, ClinGen allele CA366977579.